The following is an entry in ClinVar:

NM_001077620.3(PRCD):c.143G>A (p.Arg48Lys)

Genes: CYGB (cytoglobin; minus strand), PRCD (photoreceptor disc component; plus strand). Cytogenetic location: 17q25.1.
Variant type: single nucleotide variant.
Coding change: c.143G>A on transcript NM_001077620.3 (MANE Select); coding-DNA position 143, G replaced by A.
Protein change: p.Arg48Lys; replaces arginine 48 with lysine.
Molecular consequence: missense variant. On other transcripts: non-coding transcript variant (1).
Genome position (GRCh38, 1-based): chr17:76,540,573, G>A. VCF-style: chr17-76540573-G-A. GRCh37 (hg19) VCF-style: chr17-74536655-G-A.
Other names: short protein forms R48K.
Identifiers: ClinVar variation 943062 (VCV000943062.9), dbSNP rs2074979644, ClinGen allele CA401182751.

ClinVar aggregate classification (germline): Uncertain significance (1 of 4 stars; one submission).

gnomAD v4.1: 1 of 1,613,354 alleles (0.000062%); highest among the groups gnomAD compares: Non-Finnish European, 0.000085%; no homozygotes.

Submission:

Labcorp Genetics (formerly Invitae), Labcorp
Classification: Uncertain significance. Last evaluated: 2022-07-11. Review status: criteria provided, single submitter. Criteria: Invitae Variant Classification Sherloc (09022015). Collection method: clinical testing. Allele origin: germline.
Comment: ClinVar contains an entry for this variant (Variation ID: 943062). This sequence change replaces arginine, which is basic and polar, with lysine, which is basic and polar, at codon 48 of the PRCD protein (p.Arg48Lys). This variant also falls at the last nucleotide of exon 2, which is part of the consensus splice site for this exon. This variant is not present in population databases (gnomAD no frequency). This variant has not been reported in the literature in individuals affected with PRCD-related conditions. Algorithms developed to predict the effect of missense changes on protein structure and function are either unavailable or do not agree on the potential impact of this missense change (SIFT: "Deleterious"; PolyPhen-2: "Benign"; Align-GVGD: "Class C25"). Variants that disrupt the consensus splice site are a relatively common cause of aberrant splicing (PMID: 17576681, 9536098). Algorithms developed to predict the effect of sequence changes on RNA splicing suggest that this variant may disrupt the consensus splice site. In summary, the available evidence is currently insufficient to determine the role of this variant in disease. Therefore, it has been classified as a Variant of Uncertain Significance.

Literature cited by the submitters: PubMed 17576681; PubMed 9536098.